The following is an entry in ClinVar:

ClinVar aggregate classification (germline): Uncertain significance (1 of 4 stars; one submission).

Conditions:
Spastic paraplegia. Identifiers: MedGen C0037772, HP:0001258.

gnomAD v4.1: 1 of 1,570,536 alleles (0.000064%); highest among the groups gnomAD compares: Admixed American, 0.0017%; no homozygotes.

Submission:

Labcorp Genetics (formerly Invitae), Labcorp
Classification: Uncertain significance for Spastic paraplegia. Last evaluated: 2024-05-22. Review status: criteria provided, single submitter. Criteria: Invitae Variant Classification Sherloc (09022015). Collection method: clinical testing. Allele origin: germline.
Comment: This sequence change falls in intron 4 of the KIF5A gene. It does not directly change the encoded amino acid sequence of the KIF5A protein. It affects a nucleotide within the consensus splice site. This variant is present in population databases (no rsID available, gnomAD 0.003%). This variant has not been reported in the literature in individuals affected with KIF5A-related conditions. Variants that disrupt the consensus splice site are a relatively common cause of aberrant splicing (PMID: 17576681, 9536098). Algorithms developed to predict the effect of sequence changes on RNA splicing suggest that this variant is not likely to affect RNA splicing. In summary, the available evidence is currently insufficient to determine the role of this variant in disease. Therefore, it has been classified as a Variant of Uncertain Significance.

Literature cited by the submitters: PubMed 17576681; PubMed 9536098.

NM_004984.4(KIF5A):c.396+6C>A

Gene: KIF5A (kinesin family member 5A; plus strand). Cytogenetic location: 12q13.3.
Variant type: single nucleotide variant.
Coding change: c.396+6C>A on transcript NM_004984.4 (MANE Select); 6 bases into the intron after coding-DNA position 396, C replaced by A.
Molecular consequence: intron variant.
Genome position (GRCh38, 1-based): chr12:57,564,218, C>A. VCF-style: chr12-57564218-C-A. GRCh37 (hg19) VCF-style: chr12-57958001-C-A.
Other names: c.130-242C>A (NM_001354705.2).
Identifiers: ClinVar variation 3665199 (VCV003665199.2).